The following is an entry in ClinVar:

ClinVar aggregate classification (germline): Uncertain significance. Review status: criteria provided, multiple submitters, no conflicts (2 of 4 stars). 2 submissions from 2 submitters: Uncertain significance (2). Last evaluated 2023-10-10.

Conditions:
Inborn genetic diseases. Identifiers: MedGen C0950123, MeSH D030342.

Allele frequency attached by ClinVar (database versions not stated): gnomAD 0.00001 and 0.00002; ExAC 0.00002; TOPMed 0.00001; gnomAD exomes 0.00001.
gnomAD v4.1: 16 of 1,614,000 alleles (0.00099%); highest among the groups gnomAD compares: Middle Eastern, 0.05%; no homozygotes.

Submissions (2):

Ambry Genetics
Classification: Uncertain significance for Inborn genetic diseases. Last evaluated: 2023-10-10. Review status: criteria provided, single submitter. Criteria: Ambry Variant Classification Scheme 2023. Collection method: clinical testing. Allele origin: germline.

Labcorp Genetics (formerly Invitae), Labcorp
Classification: Uncertain significance. Last evaluated: 2019-02-11. Review status: criteria provided, single submitter. Criteria: Invitae Variant Classification Sherloc (09022015). Collection method: clinical testing. Allele origin: germline.
Comment: This sequence change replaces arginine with cysteine at codon 4627 of the HERC2 protein (p.Arg4627Cys). The arginine residue is highly conserved and there is a large physicochemical difference between arginine and cysteine. This variant is present in population databases (rs748944643, ExAC 0.02%). This variant has not been reported in the literature in individuals with HERC2-related disease. Algorithms developed to predict the effect of missense changes on protein structure and function (SIFT, PolyPhen-2, Align-GVGD) all suggest that this variant is likely to be disruptive, but these predictions have not been confirmed by published functional studies and their clinical significance is uncertain. In summary, the available evidence is currently insufficient to determine the role of this variant in disease. Therefore, it has been classified as a Variant of Uncertain Significance.

NM_004667.6(HERC2):c.13879C>T (p.Arg4627Cys)

Gene: HERC2 (HECT and RLD domain containing E3 ubiquitin protein ligase 2; minus strand). Cytogenetic location: 15q13.1.
Variant type: single nucleotide variant.
Coding change: c.13879C>T on transcript NM_004667.6 (MANE Select); coding-DNA position 13879, C replaced by T.
Protein change: p.Arg4627Cys; replaces arginine 4627 with cysteine.
Molecular consequence: missense variant.
Genome position (GRCh38, 1-based): chr15:28,114,646, G>A on the plus strand (C>T on the coding strand, the complement: HERC2 is on the minus strand). VCF-style: chr15-28114646-G-A. GRCh37 (hg19) VCF-style: chr15-28359792-G-A.
Other names: c.13879C>T (NM_004667.4); short protein forms R4627C.
Identifiers: ClinVar variation 835567 (VCV000835567.10), dbSNP rs748944643, ClinGen allele CA7439823.